The following is an entry in ClinVar:

NM_001042492.3(NF1):c.3416C>A (p.Ala1139Glu)

Gene: NF1 (neurofibromin 1; plus strand). Cytogenetic location: 17q11.2.
Variant type: single nucleotide variant.
Coding change: c.3416C>A on transcript NM_001042492.3 (MANE Select); coding-DNA position 3416, C replaced by A.
Protein change: p.Ala1139Glu; replaces alanine 1139 with glutamic acid.
Molecular consequence: missense variant.
Genome position (GRCh38, 1-based): chr17:31,232,801, C>A. VCF-style: chr17-31232801-C-A. GRCh37 (hg19) VCF-style: chr17-29559819-C-A.
Other names: c.3416C>A, p.Ala1139Glu (NM_000267.4); short protein forms A1139E.
Identifiers: ClinVar variation 457646 (VCV000457646.7), dbSNP rs1555614960, ClinGen allele CA398989190.

ClinVar aggregate classification (germline): Uncertain significance (1 of 4 stars; one submission).

Conditions:
Neurofibromatosis, type 1 (NF1). Also called: VON RECKLINGHAUSEN DISEASE; NEUROFIBROMATOSIS, TYPE I, SOMATIC; Peripheral type neurofibromatosis; Neurofibromatosis, type I. Identifiers: Orphanet 636, MedGen C0027831, MONDO:0018975, OMIM 162200. Disease mechanism: loss of function.

Allele frequency attached by ClinVar (database versions not stated): TOPMed below 0.00001.

Submission:

Labcorp Genetics (formerly Invitae), Labcorp
Classification: Uncertain significance for Neurofibromatosis, type 1. Last evaluated: 2022-02-18. Review status: criteria provided, single submitter. Criteria: Invitae Variant Classification Sherloc (09022015). Collection method: clinical testing. Allele origin: germline.
Comment: Advanced modeling of protein sequence and biophysical properties (such as structural, functional, and spatial information, amino acid conservation, physicochemical variation, residue mobility, and thermodynamic stability) performed at Invitae indicates that this missense variant is expected to disrupt NF1 protein function. In summary, the available evidence is currently insufficient to determine the role of this variant in disease. Therefore, it has been classified as a Variant of Uncertain Significance. ClinVar contains an entry for this variant (Variation ID: 457646). This variant has not been reported in the literature in individuals affected with NF1-related conditions. This variant is not present in population databases (gnomAD no frequency). This sequence change replaces alanine, which is neutral and non-polar, with glutamic acid, which is acidic and polar, at codon 1139 of the NF1 protein (p.Ala1139Glu).